The following is an entry in ClinVar:

NM_000352.6(ABCC8):c.1096C>T (p.Leu366Phe)

Gene: ABCC8 (ATP binding cassette subfamily C member 8; minus strand). Cytogenetic location: 11p15.1.
Variant type: single nucleotide variant.
Coding change: c.1096C>T on transcript NM_000352.6 (MANE Select); coding-DNA position 1096, C replaced by T.
Protein change: p.Leu366Phe; replaces leucine 366 with phenylalanine.
Molecular consequence: missense variant. On other transcripts: non-coding transcript variant (1).
Genome position (GRCh38, 1-based): chr11:17,453,199, G>A on the plus strand (C>T on the coding strand, the complement: ABCC8 is on the minus strand). VCF-style: chr11-17453199-G-A. GRCh37 (hg19) VCF-style: chr11-17474746-G-A.
Other names: c.1096C>T, p.Leu366Phe (NM_001287174.3, NM_001351295.2); c.1093C>T, p.Leu365Phe (NM_001351296.2, NM_001351297.2); short protein forms L365F, L366F.
Identifiers: ClinVar variation 1028699 (VCV001028699.7), dbSNP rs1956875186, ClinGen allele CA379770939.

ClinVar aggregate classification (germline): Uncertain significance. Review status: criteria provided, multiple submitters, no conflicts (2 of 4 stars). 4 submissions from 3 submitters: Uncertain significance (4). Last evaluated 2021-02-10.

Conditions:
Transitory neonatal diabetes mellitus. Also called: Transient neonatal diabetes mellitus. Identifiers: MedGen C0342273, MONDO:0020525, HP:0008255.
Maturity-onset diabetes of the young (MODY). Also called: Maturity onset diabetes mellitus in young. Identifiers: Orphanet 552, MedGen C0342276, MONDO:0018911, HP:0004904.
Hyperinsulinemic hypoglycemia, familial, 1 (HHF1). Also called: HYPERINSULINISM, FAMILIAL, WITH PANCREATIC NESIDIOBLASTOSIS; HYPOGLYCEMIA, HYPERINSULINEMIC, OF INFANCY; NESIDIOBLASTOSIS OF PANCREAS; Persistent hyperinsulinemic hypoglycemia of infancy; Persistent Hyperinsulinemia Hypoglycemia of Infancy. Identifiers: Orphanet 276575, Orphanet 276598, MedGen C2931832, MONDO:0009734, OMIM 256450.
Type 2 diabetes mellitus. Also called: Type II diabetes mellitus. Identifiers: MedGen C0011860, MeSH D003924, MONDO:0005148, OMIM 125853, HP:0005978.

Submissions (4):

Illumina Laboratory Services, Illumina
Classification: Uncertain significance for Hyperinsulinemic hypoglycemia, familial, 1. Last evaluated: 2021-02-10. Review status: criteria provided, single submitter. Criteria: ICSLVariantClassificationCriteria RUGD 01 April 2020. Collection method: clinical testing. Allele origin: unknown.
Comment: The ABCC8 c.1096C>T (p.Leu366Phe) variant is a missense variant that has been reported in two studies, in which it was found in a heterozygous state in an individual with persistent congenital hyperinsulinism having been inherited from an unaffected parent. The individual's sister also presented with mild congenital hyperinsulinism, but she was not genotyped (Rasmussen et al. 2020). The p.Leu366Phe variant was also reported in another individual with hyperinsulinism but with unknown zygosity (De Franco et al. 2020). The p.Leu366Phe variant is not found in the Genome Aggregation Database in a region of good sequence coverage, so the variant is presumed to be rare. Based on the application of ACMG criteria, the p.Leu366Phe variant is classified as variant of uncertain significance for hyperinsulinemic hypoglycemia.

Baylor Genetics
Classification: Uncertain significance for Type 2 diabetes mellitus. Last evaluated: 2020-08-01. Review status: criteria provided, single submitter. Criteria: ACMG Guidelines, 2015. Collection method: clinical testing. Allele origin: unknown. Affected: yes.
Comment: This variant was determined to be of uncertain significance according to ACMG Guidelines, 2015 [PMID:25741868].

Clinical Genomics, Uppaluri K&H Personalized Medicine Clinic
Classification: Uncertain significance for Maturity-onset diabetes of the young. Review status: criteria provided, single submitter. Criteria: K & H Uppaluri Personalized Medicine Clinic Variant Classification & Assertion Criteria_Updated V.1. Collection method: research. Allele origin: unknown. Inheritance: Somatic mutation.
Comment: Mutations in ABCC8 gene are associated with both neonatal diabetes mellitus as well as MODY. Patients with this mutation may have a better response to sulfonylureas. However, no sufficient evidence is found to ascertain the role of this particular variant ( rs1956875186) in MODY yet.

Clinical Genomics, Uppaluri K&H Personalized Medicine Clinic
Classification: Uncertain significance for Transitory neonatal diabetes mellitus. Review status: criteria provided, single submitter. Criteria: K & H Uppaluri Personalized Medicine Clinic Variant Classification & Assertion Criteria_Updated V.1. Collection method: research. Allele origin: unknown.
Comment: Mutations in ABCC8 gene are associated with both neonatal diabetes mellitus as well as MODY. Patients with this mutation may have a better response to sulfonylureas. However, no sufficient evidence is found to ascertain the role of this particular variant ( rs1956875186) in neonatal diabetes yet.

Literature cited by the submitters: PubMed 31997554 (cited by Illumina Laboratory Services, Illumina); PubMed 32027066 (cited by Illumina Laboratory Services, Illumina and Clinical Genomics, Uppaluri K&H Personalized Medicine Clinic); PubMed 16885549 (cited by Clinical Genomics, Uppaluri K&H Personalized Medicine Clinic); PubMed 21989597 (cited by Clinical Genomics, Uppaluri K&H Personalized Medicine Clinic); PubMed 27538677 (cited by Clinical Genomics, Uppaluri K&H Personalized Medicine Clinic); PubMed 18981553 (cited by Clinical Genomics, Uppaluri K&H Personalized Medicine Clinic); PubMed 16613899 (cited by Clinical Genomics, Uppaluri K&H Personalized Medicine Clinic); PubMed 18025408 (cited by Clinical Genomics, Uppaluri K&H Personalized Medicine Clinic); PubMed 32792356 (cited by Clinical Genomics, Uppaluri K&H Personalized Medicine Clinic).